The following is an entry in ClinVar:

NM_001363711.2(DUOX2):c.953C>A (p.Pro318His)

Gene: DUOX2 (dual oxidase 2; minus strand). Cytogenetic location: 15q21.1.
Variant type: single nucleotide variant.
Coding change: c.953C>A on transcript NM_001363711.2 (MANE Select); coding-DNA position 953, C replaced by A.
Protein change: p.Pro318His; replaces proline 318 with histidine.
Molecular consequence: missense variant.
Genome position (GRCh38, 1-based): chr15:45,110,515, G>T on the plus strand (C>A on the coding strand, the complement: DUOX2 is on the minus strand). VCF-style: chr15-45110515-G-T. GRCh37 (hg19) VCF-style: chr15-45402713-G-T.
Other names: c.953C>A, p.Pro318His (NM_014080.5); short protein forms P318H.
Identifiers: ClinVar variation 316178 (VCV000316178.40), dbSNP rs555083063, ClinGen allele CA7538801.
Genomic context (GRCh38, chr15:45,110,515, plus strand): 5'-GTAGAGAAGAACTGCTCAGAGGCCACCACAAATTCCGGGGAGATGCTGGGGTCTAGGAAA[G>T]GACGGTATCCTGCAGGAAGGAGACGGTGATGATGGGGAGACAGGCTTCTTGCCTCCACAT-3'
Protein context (NP_001350640.1, residues 308-328): KTLPEYTGYR[Pro318His]FLDPSISPEF

ClinVar aggregate classification (germline): Conflicting classifications of pathogenicity. Review status: criteria provided, conflicting classifications (1 of 4 stars). 4 submissions from 4 submitters: Uncertain significance (2); Likely benign (2). Last evaluated 2026-08-01.

Conditions:
Thyroid dyshormonogenesis 6 (TDH6). Also called: THYROID HORMONOGENESIS, GENETIC DEFECT IN, 6; HYPOTHYROIDISM, CONGENITAL, DUE TO DYSHORMONOGENESIS, 6; Genetic transient congenital hypothyroidism. Identifiers: Orphanet 226316, Orphanet 95716, MedGen C1846632, MONDO:0011792, OMIM 607200.
DUOX2-related disorder. Also called: DUOX2-related condition.

Allele frequency attached by ClinVar (database versions not stated): gnomAD 0.00001 and 0.00017; TOPMed 0.00004; 1000 Genomes Project 30x 0.00219; 1000 Genomes Project 0.00240.
gnomAD v4.1: 377 of 1,614,160 alleles (0.023%); highest among the groups gnomAD compares: South Asian, 0.31%; 2 homozygotes.

Submissions (4):

CeGaT Center for Human Genetics Tuebingen
Classification: Likely benign. Last evaluated: 2026-08-01. Review status: criteria provided, single submitter. Criteria: CeGaT Center For Human Genetics Tuebingen Variant Classification Criteria Version 2. Collection method: clinical testing. Allele origin: germline. Affected: yes. Observed: 3 variant alleles.
Comment: DUOX2: BP4, BS2

Labcorp Genetics (formerly Invitae), Labcorp
Classification: Likely benign. Last evaluated: 2026-01-11. Review status: criteria provided, single submitter. Criteria: Invitae Variant Classification Sherloc (09022015). Collection method: clinical testing. Allele origin: germline.

PreventionGenetics, part of Exact Sciences
Classification: Uncertain significance for DUOX2-related condition. Last evaluated: 2025-03-01. Review status: criteria provided, single submitter. Criteria: ACMG Guidelines, 2015. Collection method: clinical testing. Allele origin: germline.
Comment: The DUOX2 c.953C>A variant is predicted to result in the amino acid substitution p.Pro318His. This variant has been reported in a cohort study with microbiota-immune homeostasis and inflammatory bowel disease (Table S1, Grasberger et al. 2021. PubMed ID: 33651715). This variant is reported in 0.40% of alleles in individuals of South Asian descent in gnomAD. At this time, the clinical significance of this variant is uncertain due to the absence of conclusive functional and genetic evidence.

Illumina Laboratory Services, Illumina
Classification: Uncertain significance for Thyroid dyshormonogenesis 6. Last evaluated: 2018-01-13. Review status: criteria provided, single submitter. Criteria: ICSL Variant Classification Criteria 13 December 2019. Collection method: clinical testing. Allele origin: germline.